The following continues an entry in ClinVar:

NM_014946.4(SPAST):c.1495C>T (p.Arg499Cys)

Gene: SPAST. ClinVar aggregate classification (germline): Pathogenic/Likely pathogenic. Pathogenic (12); Likely pathogenic (1).

Submissions 12 to 14 of 14:

Genetic Foundation of Khorasan Razavi (GFKR)
Classification: Pathogenic for Hereditary spastic paraplegia 4. Review status: criteria provided, single submitter. Criteria: ACMG Guidelines, 2015. Collection method: clinical testing. Allele origin: de novo. Affected: yes.
Comment: This variant meets several lines of evidence supporting pathogenicity. It is significantly enriched among affected individuals compared with controls, fulfilling the criterion for strong clinical association . Segregation analysis in the family supports co-segregation with the disease. Functional studies provide evidence of a damaging effect on protein function . The variant is located within a well-established mutational hotspot or critical functional domain of the protein. It affects a gene with a well-defined disease mechanism and shows no conflicting benign computational evidence, supporting a role in disease. Moreover, it is absent or extremely rare in population databases, consistent with the rarity expected for a pathogenic allele. Taken together, these findings support a pathogenic classification according to ACMG/AMP guidelines. In addition this variant has also been previously submitted to ClinVar with a Pathogenic/Likely pathogenic classification(VCV000005660.57).

Paris Brain Institute, Inserm - ICM
Classification: Pathogenic for Hereditary spastic paraplegia 4. Review status: criteria provided, single submitter. Criteria: ACMG Guidelines, 2015. Collection method: clinical testing. Allele origin: unknown. Affected: yes. Observed: 1 variant allele.

OMIM
Classification: Pathogenic for SPASTIC PARAPLEGIA 4. Last evaluated: 2001-05-01. Review status: no assertion criteria provided. Collection method: literature only. Allele origin: germline. Not counted in ClinVar's aggregate classification.

Literature cited by the submitters: PubMed 10610178 (cited by 4 submitters); PubMed 11309678 (cited by 3 submitters); PubMed 12161613 (cited by Labcorp Genetics (formerly Invitae), Labcorp and Athena Diagnostics); PubMed 16055926 (cited by Labcorp Genetics (formerly Invitae), Labcorp and Athena Diagnostics); PubMed 17594340 (cited by Labcorp Genetics (formerly Invitae), Labcorp); PubMed 17957230 (cited by Labcorp Genetics (formerly Invitae), Labcorp and Athena Diagnostics); PubMed 19438933 (cited by Labcorp Genetics (formerly Invitae), Labcorp and Athena Diagnostics); PubMed 20718791 (cited by Labcorp Genetics (formerly Invitae), Labcorp); PubMed 25658484 (cited by Labcorp Genetics (formerly Invitae), Labcorp); PubMed 26208798 (cited by Labcorp Genetics (formerly Invitae), Labcorp); PubMed 27334366 (cited by Labcorp Genetics (formerly Invitae), Labcorp and Athena Diagnostics); PubMed 15716377 (cited by 3 submitters); PubMed 16009769 (cited by Labcorp Genetics (formerly Invitae), Labcorp and 3billion); PubMed 16682546 (cited by Labcorp Genetics (formerly Invitae), Labcorp); PubMed 18701882 (cited by Labcorp Genetics (formerly Invitae), Labcorp and Athena Diagnostics); PubMed 20562464 (cited by Labcorp Genetics (formerly Invitae), Labcorp); PubMed 25341883 (cited by Athena Diagnostics); PubMed 24033003 (cited by Athena Diagnostics); PubMed 31751864 (cited by Athena Diagnostics); PubMed 29934652 (cited by Athena Diagnostics); PubMed 34950521 (cited by Athena Diagnostics); PubMed 35487127 (cited by Athena Diagnostics); PubMed 36139378 (cited by Athena Diagnostics); PubMed 37473796 (cited by Athena Diagnostics); PubMed 18410514 (cited by Athena Diagnostics); PubMed 11809724 (cited by Athena Diagnostics); PubMed 10699187 (cited by Athena Diagnostics); PubMed 29421991 (cited by Victorian Clinical Genetics Services, Murdoch Childrens Research Institute); PubMed 30006150 (cited by Victorian Clinical Genetics Services, Murdoch Childrens Research Institute); PubMed 30476002 (cited by Victorian Clinical Genetics Services, Murdoch Childrens Research Institute); DOI 10.1016/j.neulet.2023.137399 (cited by Genetic Foundation of Khorasan Razavi (GFKR)).